The following is an entry in ClinVar:

NM_001312909.2(FAM111A):c.1670C>G (p.Ala557Gly)

Gene: FAM111A (FAM111 trypsin like peptidase A; plus strand). Cytogenetic location: 11q12.1.
Variant type: single nucleotide variant.
Coding change: c.1670C>G on transcript NM_001312909.2 (MANE Select); coding-DNA position 1670, C replaced by G.
Protein change: p.Ala557Gly; replaces alanine 557 with glycine.
Molecular consequence: missense variant.
Genome position (GRCh38, 1-based): chr11:59,153,338, C>G. VCF-style: chr11-59153338-C-G. GRCh37 (hg19) VCF-style: chr11-58920811-C-G.
Other names: c.1670C>G, p.Ala557Gly (NM_001142519.3, NM_001142520.3, NM_001142521.3 and 29 more transcripts); short protein forms A557G.
Identifiers: ClinVar variation 2446480 (VCV002446480.3), dbSNP rs2496321667, ClinGen allele CA380789652.

ClinVar aggregate classification (germline): Uncertain significance (1 of 4 stars; one submission).

Submission:

GeneDx
Classification: Uncertain significance. Last evaluated: 2025-09-05. Review status: criteria provided, single submitter. Criteria: GeneDx Variant Classification Process June 2021. Collection method: clinical testing. Allele origin: germline. Affected: yes.
Comment: Not observed at significant frequency in large population cohorts (gnomAD); In silico analysis suggests that this missense variant does not alter protein structure/function; Has not been previously published as pathogenic or benign to our knowledge